The following is an entry in ClinVar:

NM_007294.4(BRCA1):c.2389del (p.Glu797fs)

Gene: BRCA1 (BRCA1 DNA repair associated; minus strand). Cytogenetic location: 17q21.31.
Variant type: Deletion.
Coding change: c.2389del on transcript NM_007294.4 (MANE Select); coding-DNA position 2389, one base deleted (G; older notation c.2389delG).
Protein change: p.Glu797fs; shifts the reading frame from glutamic acid 797.
Molecular consequence: frameshift variant. On other transcripts: intron variant (137).
Genome position (GRCh38, 1-based): chr17:43,093,142, C deleted on the plus strand (G on the coding strand, the reverse complement: BRCA1 is on the minus strand). VCF-style (leftmost placement, unchanged base first): chr17-43093141-TC-T. GRCh37 (hg19) VCF-style: chr17-41245158-TC-T.
Other names: c.646+1602del (NM_001408469.1, NM_001408453.1, NM_001408461.1 and 11 more transcripts); c.784+1602del (NM_001408397.1, NM_001408401.1, NM_001408396.1 and 13 more transcripts); c.664+1602del (NM_001408436.1, NM_001408444.1, NM_001408438.1 and 12 more transcripts); c.787+1602del (NM_001407980.1, NM_001407993.1, NM_001407976.1 and 17 more transcripts); c.652+1602del (NM_001408451.1); c.643+1602del (NM_001408464.1, NM_001408468.1, NM_001408465.1 and 3 more transcripts); c.523+1602del (NM_001408498.1, NM_001408501.1, NM_001408500.1 and 3 more transcripts); c.583+1602del (NM_001408475.1); and 41 more; short protein forms E750fs, E797fs, E629fs, E670fs, E685fs, E730fs, E771fs, E796fs.
Identifiers: ClinVar variation 54553 (VCV000054553.3), dbSNP rs397508965, ClinGen allele CA001586.
Genomic context (GRCh38, chr17:43,093,141, plus strand): 5'-CCATGAATTAGTCCCTTGGGGTTTTCAAATGCTGCACACTGACTCACACATTTATTTGGT[TC>T]TGTTTTTGCCTTCCCTAGAGTGCTAACTTCCAGTAACGAGATACTTTCCTGAGTGCCATA-3'

ClinVar aggregate classification (germline): Pathogenic. Review status: reviewed by expert panel (3 of 4 stars). 2 submissions from 2 submitters: Pathogenic (1). 1 of the submissions does not count toward it. Last evaluated 2017-12-15.

Conditions:
Breast-ovarian cancer, familial, susceptibility to, 1 (BROVCA1). Also called: OVARIAN CANCER, SUSCEPTIBILITY TO; BRCA1 Hereditary Breast and Ovarian Cancer. Identifiers: Orphanet 145, MedGen C2676676, MONDO:0011450, OMIM 604370. Disease mechanism: loss of function.
Familial cancer of breast. Also called: Hereditary breast cancer; hereditary breast carcinoma; BREAST CANCER, FAMILIAL. Identifiers: Orphanet 227535, MedGen C0346153, MONDO:0016419, OMIM 114480. Disease mechanism: loss of function.

Submissions (2):

Evidence-based Network for the Interpretation of Germline Mutant Alleles (ENIGMA)
Classification: Pathogenic for Breast-ovarian cancer, familial, susceptibility to, 1. Last evaluated: 2017-12-15. Review status: reviewed by expert panel. Criteria: ENIGMA BRCA1/2 Classification Criteria (2017-06-29). Collection method: curation. Allele origin: germline. Study: ENIGMA.
Comment: Variant allele predicted to encode a truncated non-functional protein.

ClinVar Staff, National Center for Biotechnology Information (NCBI)
No classification provided. Condition: Familial cancer of breast. Review status: no classification provided. Collection method: literature only. Allele origin: germline. Affected: yes. Not counted in ClinVar's aggregate classification.

Literature cited by the submitters: PubMed 20104584 (cited by ClinVar Staff, National Center for Biotechnology Information (NCBI)).